The following is an entry in ClinVar:

NM_001367873.1(SOX6):c.2077C>T (p.Arg693Ter)

Gene: SOX6 (SRY-box transcription factor 6; minus strand). Cytogenetic location: 11p15.2.
Variant type: single nucleotide variant.
Coding change: c.2077C>T on transcript NM_001367873.1 (MANE Select); coding-DNA position 2077, C replaced by T.
Protein change: p.Arg693Ter; replaces arginine 693 with a stop codon.
Molecular consequence: nonsense.
Genome position (GRCh38, 1-based): chr11:15,986,310, G>A on the plus strand (C>T on the coding strand, the complement: SOX6 is on the minus strand). VCF-style: chr11-15986310-G-A. GRCh37 (hg19) VCF-style: chr11-16007856-G-A.
Other names: c.1996C>T, p.Arg666Ter (NM_001145811.2, NM_017508.3); c.2077C>T, p.Arg693Ter (NM_001145819.2); c.1954C>T, p.Arg652Ter (NM_001367872.1); c.2017C>T, p.Arg673Ter (NM_033326.3); short protein forms R652*, R666*, R673*, R693*.
Identifiers: ClinVar variation 1213429 (VCV001213429.5), dbSNP rs2119818223, ClinGen allele CA379873638.

ClinVar aggregate classification (germline): Pathogenic. Review status: criteria provided, multiple submitters, no conflicts (2 of 4 stars). 2 submissions from 2 submitters: Pathogenic (2). Last evaluated 2024-08-30.

Conditions:
Tolchin-Le Caignec syndrome. Also called: INTELLECTUAL DEVELOPMENTAL DISORDER WITH BEHAVIORAL ABNORMALITIES AND VARIABLE BONE DEFECTS. Identifiers: MedGen C5436509, MONDO:0033544, OMIM 618971.

Submissions (2):

GeneDx
Classification: Pathogenic. Last evaluated: 2024-08-30. Review status: criteria provided, single submitter. Criteria: GeneDx Variant Classification Process June 2021. Collection method: clinical testing. Allele origin: germline. Affected: yes.
Comment: Nonsense variant predicted to result in protein truncation or nonsense mediated decay in a gene for which loss-of-function is a known mechanism of disease; Not observed at significant frequency in large population cohorts (gnomAD); Has not been previously published as pathogenic or benign to our knowledge

Institute of Human Genetics Munich, TUM University Hospital
Classification: Pathogenic for Tolchin-Le Caignec syndrome. Last evaluated: 2023-07-21. Review status: criteria provided, single submitter. Criteria: Classification criteria August 2017. Collection method: clinical testing. Allele origin: de novo. Inheritance: Autosomal dominant inheritance. Affected: yes. Observed: 1 variant allele.